The following is an entry in ClinVar:

NM_014727.3(KMT2B):c.245del (p.Arg82fs)

Gene: KMT2B (lysine methyltransferase 2B; plus strand). Cytogenetic location: 19q13.12.
Variant type: Deletion.
Coding change: c.245del on transcript NM_014727.3 (MANE Select); coding-DNA position 245, one base deleted (G; older notation c.245delG).
Protein change: p.Arg82fs; shifts the reading frame from arginine 82.
Molecular consequence: frameshift variant.
Genome position (GRCh38, 1-based): chr19:35,718,263, G deleted. VCF-style (leftmost placement, unchanged base first): chr19-35718262-CG-C. GRCh37 (hg19) VCF-style: chr19-36209164-CG-C.
Other names: short protein forms R82fs.
Identifiers: ClinVar variation 4726442 (VCV004726442.1).

ClinVar aggregate classification (germline): Pathogenic (1 of 4 stars; one submission).

Submission:

Labcorp Genetics (formerly Invitae), Labcorp
Classification: Pathogenic. Last evaluated: 2025-09-01. Review status: criteria provided, single submitter. Criteria: Invitae Variant Classification Sherloc (09022015). Collection method: clinical testing. Allele origin: germline.
Comment: This sequence change creates a premature translational stop signal (p.Arg82Profs*85) in the KMT2B gene. It is expected to result in an absent or disrupted protein product. Loss-of-function variants in KMT2B are known to be pathogenic (PMID: 27839873, 27992417). This variant is not present in population databases (gnomAD no frequency). This variant has not been reported in the literature in individuals affected with KMT2B-related conditions. For these reasons, this variant has been classified as Pathogenic.

Literature cited by the submitters: PubMed 27839873; PubMed 27992417.